The following is an entry in ClinVar:

NM_020975.6(RET):c.970_975del (p.Trp324_Ala325del)

Gene: RET (ret proto-oncogene; plus strand). Cytogenetic location: 10q11.21.
Variant type: Deletion.
Coding change: c.970_975del on transcript NM_020975.6 (MANE Select); coding-DNA positions 970 to 975, 6 bases deleted (TGGGCC; older notation c.970_975delTGGGCC).
Protein change: p.Trp324_Ala325del.
Molecular consequence: inframe deletion. On other transcripts: intron variant (25).
Genome position (GRCh38, 1-based): chr10:43,106,478-43,106,483, TGGGCC deleted; deleting any 6 consecutive bases within chr10:43,106,476-43,106,483 gives the same sequence; the c. name uses the placement nearest the transcript's 3' end. VCF-style (leftmost placement, unchanged base first): chr10-43106475-ACCTGGG-A. GRCh37 (hg19) VCF-style: chr10-43601923-ACCTGGG-A.
Other names: c.208_213del, p.Trp70_Ala71del (NM_001355216.2); c.970_975del, p.Trp324_Ala325del (NM_001406743.1, NM_001406744.1, NM_001406759.1 and 4 more transcripts); c.841_846del, p.Trp281_Ala282del (NM_001406761.1, NM_001406762.1, NM_001406764.1 and 1 more transcripts); c.682_687del, p.Trp228_Ala229del (NM_001406766.1, NM_001406767.1, NM_001406770.1); c.867+1285_867+1290del (NM_001406772.1, NM_001406769.1); c.626-2553_626-2548del (NM_001406773.1, NM_001406771.1); c.625+3849_625+3854del (NM_001406782.1, NM_001406780.1, NM_001406779.1 and 3 more transcripts); c.738+1285_738+1290del (NM_001406774.1); and 5 more.
Identifiers: ClinVar variation 4694160 (VCV004694160.1).

ClinVar aggregate classification (germline): Uncertain significance (1 of 4 stars; one submission).

Conditions:
Multiple endocrine neoplasia, type 2 (MEN2). Identifiers: Orphanet 653, MedGen C4048306, MONDO:0019003. Disease mechanism: gain of function.

Submission:

Labcorp Genetics (formerly Invitae), Labcorp
Classification: Uncertain significance for Multiple endocrine neoplasia, type 2. Last evaluated: 2025-11-23. Review status: criteria provided, single submitter. Criteria: Invitae Variant Classification Sherloc (09022015). Collection method: clinical testing. Allele origin: germline.
Comment: This variant, c.970_975del, results in the deletion of 2 amino acid(s) of the RET protein (p.Trp324_Ala325del), but otherwise preserves the integrity of the reading frame. This variant is not present in population databases (gnomAD no frequency). This variant has not been reported in the literature in individuals affected with RET-related conditions. Experimental studies and prediction algorithms are not available or were not evaluated, and the functional significance of this variant is currently unknown. In summary, the available evidence is currently insufficient to determine the role of this variant in disease. Therefore, it has been classified as a Variant of Uncertain Significance.